The following is an entry in ClinVar:

NM_016247.4(IMPG2):c.733T>G (p.Phe245Val)

Gene: IMPG2 (interphotoreceptor matrix proteoglycan 2; minus strand). Cytogenetic location: 3q12.3.
Variant type: single nucleotide variant.
Coding change: c.733T>G on transcript NM_016247.4 (MANE Select); coding-DNA position 733, T replaced by G.
Protein change: p.Phe245Val; replaces phenylalanine 245 with valine.
Molecular consequence: missense variant.
Genome position (GRCh38, 1-based): chr3:101,273,676, A>C on the plus strand (T>G on the coding strand, the complement: IMPG2 is on the minus strand). VCF-style: chr3-101273676-A-C. GRCh37 (hg19) VCF-style: chr3-100992520-A-C.
Other names: short protein forms F245V.
Identifiers: ClinVar variation 972061 (VCV000972061.11), dbSNP rs1706811652, ClinGen allele CA353868012.

ClinVar aggregate classification (germline): Uncertain significance. Review status: criteria provided, multiple submitters, no conflicts (2 of 4 stars). 2 submissions from 2 submitters: Uncertain significance (2). Last evaluated 2024-11-19.

Submissions (2):

Blueprint Genetics
Classification: Uncertain significance. Last evaluated: 2024-11-19. Review status: criteria provided, single submitter. Criteria: ACMG Guidelines, 2015. Collection method: clinical testing. Allele origin: germline.

Labcorp Genetics (formerly Invitae), Labcorp
Classification: Uncertain significance. Last evaluated: 2024-02-24. Review status: criteria provided, single submitter. Criteria: Invitae Variant Classification Sherloc (09022015). Collection method: clinical testing. Allele origin: germline.
Comment: This sequence change replaces phenylalanine, which is neutral and non-polar, with valine, which is neutral and non-polar, at codon 245 of the IMPG2 protein (p.Phe245Val). This variant is not present in population databases (gnomAD no frequency). This variant has not been reported in the literature in individuals affected with IMPG2-related conditions. ClinVar contains an entry for this variant (Variation ID: 972061). Advanced modeling of protein sequence and biophysical properties (such as structural, functional, and spatial information, amino acid conservation, physicochemical variation, residue mobility, and thermodynamic stability) performed at Invitae indicates that this missense variant is expected to disrupt IMPG2 protein function with a positive predictive value of 80%. In summary, the available evidence is currently insufficient to determine the role of this variant in disease. Therefore, it has been classified as a Variant of Uncertain Significance.